The following is an entry in ClinVar:

NM_021800.3(DNAJC12):c.592A>C (p.Ile198Leu)

Gene: DNAJC12 (DnaJ heat shock protein family (Hsp40) member C12; minus strand). Cytogenetic location: 10q21.3.
Variant type: single nucleotide variant.
Coding change: c.592A>C on transcript NM_021800.3 (MANE Select); coding-DNA position 592, A replaced by C.
Protein change: p.Ile198Leu; replaces isoleucine 198 with leucine.
Molecular consequence: missense variant.
Genome position (GRCh38, 1-based): chr10:67,797,121, T>G on the plus strand (A>C on the coding strand, the complement: DNAJC12 is on the minus strand). VCF-style: chr10-67797121-T-G. GRCh37 (hg19) VCF-style: chr10-69556879-T-G.
Other names: short protein forms I198L.
Identifiers: ClinVar variation 1926731 (VCV001926731.5), dbSNP rs772751387, ClinGen allele CA5520760.

ClinVar aggregate classification (germline): Uncertain significance (1 of 4 stars; one submission).

Allele frequency attached by ClinVar (database versions not stated): gnomAD exomes below 0.00001; ExAC 0.00001.
gnomAD v4.1: 1 of 1,612,762 alleles (0.000062%); highest among the groups gnomAD compares: Admixed American, 0.0017%; no homozygotes.

Submission:

Labcorp Genetics (formerly Invitae), Labcorp
Classification: Uncertain significance. Last evaluated: 2024-12-02. Review status: criteria provided, single submitter. Criteria: Invitae Variant Classification Sherloc (09022015). Collection method: clinical testing. Allele origin: germline.
Comment: This sequence change replaces isoleucine, which is neutral and non-polar, with leucine, which is neutral and non-polar, at codon 198 of the DNAJC12 protein (p.Ile198Leu). This variant is present in population databases (rs772751387, gnomAD 0.006%). This variant has not been reported in the literature in individuals affected with DNAJC12-related conditions. ClinVar contains an entry for this variant (Variation ID: 1926731). An algorithm developed to predict the effect of missense changes on protein structure and function (PolyPhen-2) suggests that this variant is likely to be disruptive. In summary, the available evidence is currently insufficient to determine the role of this variant in disease. Therefore, it has been classified as a Variant of Uncertain Significance.